The following is an entry in ClinVar:

ClinVar aggregate classification (germline): Benign/Likely benign. Review status: criteria provided, multiple submitters, no conflicts (2 of 4 stars). 10 submissions from 10 submitters: Benign (5); Likely benign (2). 3 of the submissions do not count toward it. Last evaluated 2026-05-09.

Conditions:
Deficiency of iodide peroxidase (TDH2A). Also called: Thyroid dyshormonogenesis 2A; THYROID HORMONOGENESIS, GENETIC DEFECT IN, 2A; THYROID PEROXIDASE DEFICIENCY; HYPOTHYROIDISM, CONGENITAL, DUE TO DYSHORMONOGENESIS, 2A; IODIDE PEROXIDASE DEFICIENCY. Identifiers: Orphanet 95716, MedGen C1291299, MONDO:0010133, OMIM 274500.

Allele frequency attached by ClinVar (database versions not stated): TOPMed 0.37537; ESP Exome Variant Server 0.38129; 1000 Genomes Project 0.36542; 1000 Genomes Project 30x 0.36821.
gnomAD v4.1: 614,048 of 1,613,664 alleles (38%); highest among the groups gnomAD compares: South Asian, 48%; 118,663 homozygotes.

Submissions (10):

Women's Health and Genetics/Laboratory Corporation of America, LabCorp
Classification: Likely benign. Last evaluated: 2026-05-09. Review status: criteria provided, single submitter. Criteria: LabCorp Variant Classification Summary - May 2015. Collection method: clinical testing. Allele origin: germline.

Labcorp Genetics (formerly Invitae), Labcorp
Classification: Benign. Last evaluated: 2026-02-04. Review status: criteria provided, single submitter. Criteria: Invitae Variant Classification Sherloc (09022015). Collection method: clinical testing. Allele origin: germline.

Blueprint Genetics
Classification: Likely benign. Last evaluated: 2024-11-26. Review status: criteria provided, single submitter. Criteria: ACMG Guidelines, 2015. Collection method: clinical testing. Allele origin: germline.

GeneDx
Classification: Benign. Last evaluated: 2018-11-12. Review status: criteria provided, single submitter. Criteria: GeneDx Variant Classification Process June 2021. Collection method: clinical testing. Allele origin: germline. Affected: yes.

Illumina Laboratory Services, Illumina
Classification: Benign for Deficiency of iodide peroxidase. Last evaluated: 2018-01-13. Review status: criteria provided, single submitter. Criteria: ICSL Variant Classification Criteria 13 December 2019. Collection method: clinical testing. Allele origin: germline.
Comment: This variant was observed in the ICSL laboratory as part of a predisposition screen in an ostensibly healthy population. It had not been previously curated by ICSL or reported in the Human Gene Mutation Database (HGMD: prior to June 1st, 2018), and was therefore a candidate for classification through an automated scoring system. Utilizing variant allele frequency, disease prevalence and penetrance estimates, and inheritance mode, an automated score was calculated to assess if this variant is too frequent to cause the disease. Based on the score and internal cut-off values, a variant classified as benign is not then subjected to further curation. The score for this variant resulted in a classification of benign for this disease.

Breakthrough Genomics
Classification: Benign. Review status: criteria provided, single submitter. Criteria: ACMG Guidelines, 2015. Collection method: not provided. Allele origin: germline. Inheritance: Autosomal recessive inheritance. Affected: yes.

PreventionGenetics, part of Exact Sciences
Classification: Benign. Review status: criteria provided, single submitter. Criteria: ACMG Guidelines, 2015. Collection method: clinical testing. Allele origin: germline.

Clinical Genetics DNA and cytogenetics Diagnostics Lab, Erasmus MC, Erasmus Medical Center
Classification: Benign. Review status: no assertion criteria provided. Collection method: clinical testing. Allele origin: germline. Affected: yes. Study: VKGL Data-share Consensus. Not counted in ClinVar's aggregate classification.

Clinical Genetics, Academic Medical Center
Classification: Benign. Review status: no assertion criteria provided. Collection method: clinical testing. Allele origin: germline. Affected: yes. Study: VKGL Data-share Consensus. Not counted in ClinVar's aggregate classification.

Diagnostic Laboratory, Department of Genetics, University Medical Center Groningen
Classification: Benign for Deficiency of iodide peroxidase. Review status: no assertion criteria provided. Collection method: clinical testing. Allele origin: germline. Affected: yes. Study: VKGL Data-share Consensus. Not counted in ClinVar's aggregate classification.

NM_001206744.2(TPO):c.769G>T (p.Ala257Ser)

Gene: TPO (thyroid peroxidase; plus strand). Cytogenetic location: 2p25.3.
Variant type: single nucleotide variant.
Coding change: c.769G>T on transcript NM_001206744.2 (MANE Select); coding-DNA position 769, G replaced by T.
Protein change: p.Ala257Ser; replaces alanine 257 with serine.
Molecular consequence: missense variant.
Genome position (GRCh38, 1-based): chr2:1,456,232, G>T. VCF-style: chr2-1456232-G-T. GRCh37 (hg19) VCF-style: chr2-1460004-G-T.
Other names: c.769G>T, p.Ala257Ser (NM_000547.6, NM_001206745.2, NM_175719.4 and 2 more transcripts); short protein forms A257S.
Identifiers: ClinVar variation 256616 (VCV000256616.15), dbSNP rs4927611, ClinGen allele CA1511564.
Genomic context (GRCh38, chr2:1,456,232, plus strand): 5'-ATCGACCACGACATCGCGTTCACACCACAGAGCACCAGCAAAGCTGCCTTCGGGGGAGGG[G>T]CTGACTGCCAGATGACTTGTGAGAACCAAAACCCATGTTTTCCCATACAAGTAAGTTTTA-3'
Protein context (NP_001193673.1, residues 247-267): STSKAAFGGG[Ala257Ser]DCQMTCENQN